The following is an entry in ClinVar:

ClinVar aggregate classification (germline): Likely pathogenic (1 of 4 stars; one submission).

Allele frequency attached by ClinVar (database versions not stated): ExAC 0.00001.
gnomAD v4.1: 2 of 1,614,194 alleles (0.00012%); highest among the groups gnomAD compares: Non-Finnish European, 0.00017%; no homozygotes.

Submission:

Labcorp Genetics (formerly Invitae), Labcorp
Classification: Likely pathogenic. Last evaluated: 2023-08-04. Review status: criteria provided, single submitter. Criteria: Invitae Variant Classification Sherloc (09022015). Collection method: clinical testing. Allele origin: germline.
Comment: In summary, the currently available evidence indicates that the variant is pathogenic, but additional data are needed to prove that conclusively. Therefore, this variant has been classified as Likely Pathogenic. This sequence change affects a donor splice site in intron 5 of the TRPM1 gene. It is expected to disrupt RNA splicing. Variants that disrupt the donor or acceptor splice site typically lead to a loss of protein function (PMID: 16199547), and loss-of-function variants in TRPM1 are known to be pathogenic (PMID: 19896113, 19966281, 20300565). This variant is present in population databases (rs779283834, gnomAD 0.002%). This variant has not been reported in the literature in individuals affected with TRPM1-related conditions. ClinVar contains an entry for this variant (Variation ID: 1976307). Algorithms developed to predict the effect of sequence changes on RNA splicing suggest that this variant may disrupt the consensus splice site.

Literature cited by the submitters: PubMed 16199547; PubMed 19896113; PubMed 19966281; PubMed 20300565.

NM_001252024.2(TRPM1):c.618+1G>A

Gene: TRPM1 (transient receptor potential cation channel subfamily M member 1; minus strand). Cytogenetic location: 15q13.3.
Variant type: single nucleotide variant.
Coding change: c.618+1G>A on transcript NM_001252024.2 (MANE Select); the canonical splice donor site of the intron after coding-DNA position 618, G replaced by A.
Molecular consequence: splice donor variant.
Genome position (GRCh38, 1-based): chr15:31,067,062, C>T on the plus strand (G>A on the coding strand, the complement: TRPM1 is on the minus strand). VCF-style: chr15-31067062-C-T. GRCh37 (hg19) VCF-style: chr15-31359265-C-T.
Other names: c.669+1G>A (NM_001252020.2); c.552+1G>A (NM_002420.6).
Identifiers: ClinVar variation 1976307 (VCV001976307.5), dbSNP rs779283834, ClinGen allele CA7452894.